The following is an entry in ClinVar:

ClinVar aggregate classification (germline): Uncertain significance (1 of 4 stars; one submission).

Submission:

GeneDx
Classification: Uncertain significance. Last evaluated: 2022-06-15. Review status: criteria provided, single submitter. Criteria: GeneDx Variant Classification Process June 2021. Collection method: clinical testing. Allele origin: germline. Affected: yes.
Comment: Not observed at significant frequency in large population cohorts (gnomAD); In silico analysis supports that this missense variant has a deleterious effect on protein structure/function; Has not been previously published as pathogenic or benign to our knowledge

NM_015559.3(SETBP1):c.689C>A (p.Pro230His)

Gene: SETBP1 (SET binding protein 1; plus strand). Cytogenetic location: 18q12.3.
Variant type: single nucleotide variant.
Coding change: c.689C>A on transcript NM_015559.3 (MANE Select); coding-DNA position 689, C replaced by A.
Protein change: p.Pro230His; replaces proline 230 with histidine.
Molecular consequence: missense variant.
Genome position (GRCh38, 1-based): chr18:44,950,029, C>A. VCF-style: chr18-44950029-C-A. GRCh37 (hg19) VCF-style: chr18-42529994-C-A.
Other names: c.689C>A, p.Pro230His (NM_001379141.1, NM_001379142.1, NM_001410862.1); short protein forms P230H.
Identifiers: ClinVar variation 1804372 (VCV001804372.1), dbSNP rs2511464568, ClinGen allele CA402316625.